The following is an entry in ClinVar:

NM_000466.3(PEX1):c.1671_1672del

Gene: PEX1 (peroxisomal biogenesis factor 1; minus strand). Cytogenetic location: 7q21.2.
Variant type: Microsatellite.
Coding change: c.1671_1672del on transcript NM_000466.3 (MANE Select); coding-DNA positions 1671 to 1672, 2 bases deleted (AG; older notation c.1671_1672delAG).
Genome position (GRCh38, 1-based): chr7:92,507,125-92,507,126, CT deleted on the plus strand (AG on the coding strand, the reverse complement: PEX1 is on the minus strand); deleting any 2 consecutive bases within chr7:92,507,125-92,507,128 gives the same sequence; the c. name uses the placement nearest the transcript's 3' end. VCF-style (leftmost placement, unchanged base first): chr7-92507124-CCT-C. GRCh37 (hg19) VCF-style: chr7-92136438-CCT-C.
Identifiers: ClinVar variation 2677621 (VCV002677621.4), dbSNP rs2484676651, ClinGen allele CA2695199562.

ClinVar aggregate classification (germline): Pathogenic. Review status: criteria provided, multiple submitters, no conflicts (2 of 4 stars). 2 submissions from 2 submitters: Pathogenic (2). Last evaluated 2023-06-23.

Conditions:
Heimler syndrome 1 (HMLR1). Also called: PEROXISOME BIOGENESIS DISORDER 1C. Identifiers: Orphanet 3220, MedGen C4551980, OMIM 234580, MONDO:0024544.
Zellweger spectrum disorders (ZS). Also called: Zellweger syndrome; Zellweger Spectrum Disorder (ZSD); Zellweger Spectrum Disorder; Zellweger Spectrum. Identifiers: Orphanet 912, MedGen C0043459, MONDO:0019609.

Submissions (2):

Labcorp Genetics (formerly Invitae), Labcorp
Classification: Pathogenic for Zellweger spectrum disorders. Last evaluated: 2023-06-23. Review status: criteria provided, single submitter. Criteria: Invitae Variant Classification Sherloc (09022015). Collection method: clinical testing. Allele origin: germline.
Comment: For these reasons, this variant has been classified as Pathogenic. Algorithms developed to predict the effect of sequence changes on RNA splicing suggest that this variant may disrupt the consensus splice site. This variant has not been reported in the literature in individuals affected with PEX1-related conditions. This variant is not present in population databases (gnomAD no frequency). This sequence change creates a premature translational stop signal (p.Gly558Serfs*33) in the PEX1 gene. It is expected to result in an absent or disrupted protein product. Loss-of-function variants in PEX1 are known to be pathogenic (PMID: 9398847, 16086329, 16141001, 21031596, 26387595, 31831025).

Baylor Genetics
Classification: Pathogenic for Heimler syndrome 1. Last evaluated: 2023-06-05. Review status: criteria provided, single submitter. Criteria: ACMG Guidelines, 2015. Collection method: clinical testing. Allele origin: unknown.

Literature cited by the submitters: PubMed 9398847 (cited by Labcorp Genetics (formerly Invitae), Labcorp); PubMed 16086329 (cited by Labcorp Genetics (formerly Invitae), Labcorp); PubMed 16141001 (cited by Labcorp Genetics (formerly Invitae), Labcorp); PubMed 21031596 (cited by Labcorp Genetics (formerly Invitae), Labcorp); PubMed 26387595 (cited by Labcorp Genetics (formerly Invitae), Labcorp); PubMed 31831025 (cited by Labcorp Genetics (formerly Invitae), Labcorp).